The following is an entry in ClinVar:

ClinVar aggregate classification (germline): Likely pathogenic (1 of 4 stars; one submission).

Submission:

Labcorp Genetics (formerly Invitae), Labcorp
Classification: Likely pathogenic. Last evaluated: 2023-04-18. Review status: criteria provided, single submitter. Criteria: Invitae Variant Classification Sherloc (09022015). Collection method: clinical testing. Allele origin: germline.
Comment: In summary, the currently available evidence indicates that the variant is pathogenic, but additional data are needed to prove that conclusively. Therefore, this variant has been classified as Likely Pathogenic. Algorithms developed to predict the effect of sequence changes on RNA splicing suggest that this variant may disrupt the consensus splice site. Disruption of this splice site has been observed in individual(s) with achromatopsia (Invitae). This variant is not present in population databases (gnomAD no frequency). This sequence change affects a donor splice site in intron 7 of the CNGB3 gene. It is expected to disrupt RNA splicing. Variants that disrupt the donor or acceptor splice site typically lead to a loss of protein function (PMID: 16199547), and loss-of-function variants in CNGB3 are known to be pathogenic (PMID: 28795510).

Literature cited by the submitters: PubMed 16199547; PubMed 28795510.

NM_019098.5(CNGB3):c.903+1G>C

Gene: CNGB3 (cyclic nucleotide gated channel subunit beta 3; minus strand). Cytogenetic location: 8q21.3.
Variant type: single nucleotide variant.
Coding change: c.903+1G>C on transcript NM_019098.5 (MANE Select); the canonical splice donor site of the intron after coding-DNA position 903, G replaced by C.
Molecular consequence: splice donor variant.
Genome position (GRCh38, 1-based): chr8:86,654,011, C>G on the plus strand (G>C on the coding strand, the complement: CNGB3 is on the minus strand). VCF-style: chr8-86654011-C-G. GRCh37 (hg19) VCF-style: chr8-87666239-C-G.
Identifiers: ClinVar variation 2857222 (VCV002857222.3), dbSNP rs1440619177, ClinGen allele CA371448357.